The following is an entry in ClinVar:

ClinVar aggregate classification (germline): Pathogenic (1 of 4 stars; one submission).

Conditions:
Hereditary cancer-predisposing syndrome. Also called: Hereditary Cancer Syndrome; Hereditary neoplastic syndrome; Neoplastic Syndromes, Hereditary; Tumor predisposition. Identifiers: Orphanet 140162, MedGen C0027672, MeSH D009386, MONDO:0015356.

Submission:

Ambry Genetics
Classification: Pathogenic for Hereditary cancer-predisposing syndrome. Last evaluated: 2020-07-24. Review status: criteria provided, single submitter. Criteria: Ambry Variant Classification Scheme 2023. Collection method: clinical testing. Allele origin: germline.
Comment: The c.1401dupC pathogenic mutation, located in coding exon 10 of the CDH1 gene, results from a duplication of C at nucleotide position 1401, causing a translational frameshift with a predicted alternate stop codon (p.T468Hfs*15). This alteration is expected to result in loss of function by premature protein truncation or nonsense-mediated mRNA decay. As such, this alteration is interpreted as a disease-causing mutation.

NM_004360.5(CDH1):c.1401dup (p.Thr468fs)

Gene: CDH1 (cadherin 1; plus strand). Cytogenetic location: 16q22.1.
Variant type: Duplication.
Coding change: c.1401dup on transcript NM_004360.5 (MANE Select); coding-DNA position 1401, one base duplicated (C; older notation c.1401dupC).
Protein change: p.Thr468fs; shifts the reading frame from threonine 468.
Molecular consequence: frameshift variant. On other transcripts: 5 prime UTR variant (2).
Genome position (GRCh38, 1-based): chr16:68,815,595, C duplicated; the last of 2 consecutive C bases (chr16:68,815,594-68,815,595); duplicating either gives the same sequence. VCF-style (leftmost placement, unchanged base first): chr16-68815593-A-AC. GRCh37 (hg19) VCF-style: chr16-68849496-A-AC.
Other names: c.1218dup, p.Thr407fs (NM_001317184.2); c.-148dup (NM_001317185.2); c.-419dup (NM_001317186.2); c.1401dupC (NM_004360.3); short protein forms T468fs, T407fs.
Identifiers: ClinVar variation 1771813 (VCV001771813.2), dbSNP rs2543930584, ClinGen allele CA2580091969.
Genomic context (GRCh38, chr16:68,815,593, plus strand): 5'-AAGCAGCAGTACATTCTACACGTAGCAGTGACGAATGTGGTACCTTTTGAGGTCTCTCTC[A>AC]CCACCTCCACAGCCACCGTCACCGTGGATGTGCTGGATGTGAATGAAGCCCCCATCTTTG-3'